The following is an entry in ClinVar:

ClinVar aggregate classification (germline): Uncertain significance (1 of 4 stars; one submission).

Conditions:
Glycogen storage disease due to muscle beta-enolase deficiency (GSD13). Also called: ENOLASE 3 DEFICIENCY; ENOLASE-BETA DEFICIENCY; GSD XIII; Glycogen Storage Disease Type XIII. Identifiers: Orphanet 99849, MedGen C2752027, MONDO:0013046, OMIM 612932.

Allele frequency attached by ClinVar (database versions not stated): TOPMed 0.00003; gnomAD 0.00005; ESP Exome Variant Server 0.00008.
gnomAD v4.1: 16 of 1,614,144 alleles (0.00099%); highest among the groups gnomAD compares: African/African-American, 0.021%; no homozygotes.

Submission:

Labcorp Genetics (formerly Invitae), Labcorp
Classification: Uncertain significance for Glycogen storage disease due to muscle beta-enolase deficiency. Last evaluated: 2022-08-20. Review status: criteria provided, single submitter. Criteria: Invitae Variant Classification Sherloc (09022015). Collection method: clinical testing. Allele origin: germline.
Comment: This sequence change replaces glycine, which is neutral and non-polar, with alanine, which is neutral and non-polar, at codon 208 of the ENO3 protein (p.Gly208Ala). This variant is present in population databases (rs370156864, gnomAD 0.008%). This variant has not been reported in the literature in individuals affected with ENO3-related conditions. Algorithms developed to predict the effect of missense changes on protein structure and function are either unavailable or do not agree on the potential impact of this missense change (SIFT: "Deleterious"; PolyPhen-2: "Probably Damaging"; Align-GVGD: "Class C0"). In summary, the available evidence is currently insufficient to determine the role of this variant in disease. Therefore, it has been classified as a Variant of Uncertain Significance.

NM_053013.4(ENO3):c.623G>C (p.Gly208Ala)

Gene: ENO3 (enolase 3; plus strand). Cytogenetic location: 17p13.2.
Variant type: single nucleotide variant.
Coding change: c.623G>C on transcript NM_053013.4 (MANE Select); coding-DNA position 623, G replaced by C.
Protein change: p.Gly208Ala; replaces glycine 208 with alanine.
Molecular consequence: missense variant.
Genome position (GRCh38, 1-based): chr17:4,955,253, G>C. VCF-style: chr17-4955253-G-C. GRCh37 (hg19) VCF-style: chr17-4858548-G-C.
Other names: c.494G>C, p.Gly165Ala (NM_001193503.2); c.623G>C, p.Gly208Ala (NM_001374523.1, NM_001976.5); c.650G>C, p.Gly217Ala (NM_001374524.1); short protein forms G165A, G208A, G217A.
Identifiers: ClinVar variation 2140226 (VCV002140226.1), dbSNP rs370156864, ClinGen allele CA8316364.